The following is an entry in ClinVar:

ClinVar aggregate classification (germline): Uncertain significance (1 of 4 stars; one submission).

Allele frequency attached by ClinVar (database versions not stated): gnomAD 0.00003 and 0.00005; TOPMed 0.00003; gnomAD exomes 0.00004 and 0.00006; ExAC 0.00012; 1000 Genomes Project 30x 0.00016; 1000 Genomes Project 0.00020.
gnomAD v4.1: 74 of 1,597,326 alleles (0.0046%); highest among the groups gnomAD compares: Middle Eastern, 0.033%; no homozygotes.

Submission:

Labcorp Genetics (formerly Invitae), Labcorp
Classification: Uncertain significance. Last evaluated: 2025-12-08. Review status: criteria provided, single submitter. Criteria: Invitae Variant Classification Sherloc (09022015). Collection method: clinical testing. Allele origin: germline.
Comment: This sequence change falls in intron 8 of the CEP63 gene. It does not directly change the encoded amino acid sequence of the CEP63 protein. It affects a nucleotide within the consensus splice site. This variant is present in population databases (rs534487064, gnomAD 0.02%). This variant has not been reported in the literature in individuals affected with CEP63-related conditions. ClinVar contains an entry for this variant (Variation ID: 1374708). Variants that disrupt the consensus splice site are a relatively common cause of aberrant splicing (PMID: 17576681, 9536098). Algorithms developed to predict the effect of sequence changes on RNA splicing suggest that this variant is not likely to affect RNA splicing. In summary, the available evidence is currently insufficient to determine the role of this variant in disease. Therefore, it has been classified as a Variant of Uncertain Significance.

Literature cited by the submitters: PubMed 17576681; PubMed 9536098.

NM_001353108.3(CEP63):c.789+3A>G

Gene: CEP63 (centrosomal protein 63; plus strand). Cytogenetic location: 3q22.2.
Variant type: single nucleotide variant.
Coding change: c.789+3A>G on transcript NM_001353108.3 (MANE Select); 3 bases into the intron after coding-DNA position 789, A replaced by G.
Molecular consequence: intron variant.
Genome position (GRCh38, 1-based): chr3:134,545,822, A>G. VCF-style: chr3-134545822-A-G. GRCh37 (hg19) VCF-style: chr3-134264664-A-G.
Other names: c.789+3A>G (NM_001353113.1, NM_001042384.2, NM_001353122.1 and 13 more transcripts); c.816+3A>G (NM_001353118.1); c.426+3A>G (NM_001353126.2); c.705+3A>G (NM_001353125.2).
Identifiers: ClinVar variation 1374708 (VCV001374708.5), dbSNP rs534487064, ClinGen allele CA2628478.